The following is an entry in ClinVar:

NM_001330260.2(SCN8A):c.158C>G (p.Pro53Arg)

Genes: SCN8A (sodium voltage-gated channel alpha subunit 8; plus strand), LOC114803470 (SCN8A eExon liver enhancer; plus strand). Cytogenetic location: 12q13.13.
Variant type: single nucleotide variant.
Coding change: c.158C>G on transcript NM_001330260.2 (MANE Select); coding-DNA position 158, C replaced by G.
Protein change: p.Pro53Arg; replaces proline 53 with arginine.
Molecular consequence: missense variant.
Genome position (GRCh38, 1-based): chr12:51,662,975, C>G. VCF-style: chr12-51662975-C-G. GRCh37 (hg19) VCF-style: chr12-52056759-C-G.
Other names: c.158C>G, p.Pro53Arg (NM_001177984.3, NM_001369788.1, NM_014191.4); short protein forms P53R.
Identifiers: ClinVar variation 392945 (VCV000392945.6), dbSNP rs1057524711, ClinGen allele CA16606300.

ClinVar aggregate classification (germline): Uncertain significance. Review status: criteria provided, multiple submitters, no conflicts (2 of 4 stars). 2 submissions from 2 submitters: Uncertain significance (2). Last evaluated 2024-10-24.

Conditions:
Early-infantile DEE. Also called: Early infantile epileptic encephalopathy with suppression bursts; Early infantile epileptic encephalopathy; Ohtahara syndrome. Identifiers: Orphanet 1934, MedGen C0393706, MONDO:0800491.

Allele frequency attached by ClinVar (database versions not stated): gnomAD exomes below 0.00001.
gnomAD v4.1: 1 of 1,613,978 alleles (0.000062%); highest among the groups gnomAD compares: Non-Finnish European, 0.000085%; no homozygotes.

Submissions (2):

Labcorp Genetics (formerly Invitae), Labcorp
Classification: Uncertain significance for Early-infantile DEE. Last evaluated: 2024-10-24. Review status: criteria provided, single submitter. Criteria: Invitae Variant Classification Sherloc (09022015). Collection method: clinical testing. Allele origin: germline.
Comment: This sequence change replaces proline, which is neutral and non-polar, with arginine, which is basic and polar, at codon 53 of the SCN8A protein (p.Pro53Arg). This variant is not present in population databases (gnomAD no frequency). This variant has not been reported in the literature in individuals affected with SCN8A-related conditions. ClinVar contains an entry for this variant (Variation ID: 392945). Invitae Evidence Modeling of protein sequence and biophysical properties (such as structural, functional, and spatial information, amino acid conservation, physicochemical variation, residue mobility, and thermodynamic stability) indicates that this missense variant is not expected to disrupt SCN8A protein function with a negative predictive value of 95%. In summary, the available evidence is currently insufficient to determine the role of this variant in disease. Therefore, it has been classified as a Variant of Uncertain Significance.

GeneDx
Classification: Uncertain significance. Last evaluated: 2017-01-24. Review status: criteria provided, single submitter. Criteria: GeneDx Variant Classification (06012015). Collection method: clinical testing. Allele origin: germline. Affected: yes.
Comment: The P53R variant in the SCN8A gene has not been reported previously as a pathogenic variant, nor as a benign variant, to our knowledge. The P53R variant was not observed in approximately 6300 individuals of European and African American ancestry in the NHLBI Exome Sequencing Project, indicating it is not a common benign variant in these populations. The P53R variant is a non-conservative amino acid substitution, which is likely to impact secondary protein structure as these residues differ in polarity, charge, size and/or other properties. In addition, this substitution occurs at a position that is conserved across species, and in silico analysis predicts this variant is probably damaging to the protein structure/function. We interpret P53R as a variant of uncertain significance.